The following is an entry in ClinVar:

ClinVar aggregate classification (germline): Conflicting classifications of pathogenicity. Review status: criteria provided, conflicting classifications (1 of 4 stars). 4 submissions from 4 submitters: Uncertain significance (1); Benign (1); Likely benign (2). Last evaluated 2024-11-25.

Allele frequency attached by ClinVar (database versions not stated): ExAC 0.00126; ESP Exome Variant Server 0.00238; gnomAD 0.00244 and 0.00264; TOPMed 0.00247; 1000 Genomes Project 0.00339; 1000 Genomes Project 30x 0.00359.
gnomAD v4.1: 1,599 of 1,614,204 alleles (0.099%); highest among the groups gnomAD compares: Middle Eastern, 0.83%; 5 homozygotes.

Submissions (4):

Blueprint Genetics
Classification: Likely benign. Last evaluated: 2024-11-25. Review status: criteria provided, single submitter. Criteria: ACMG Guidelines, 2015. Collection method: clinical testing. Allele origin: germline.

CeGaT Center for Human Genetics Tuebingen
Classification: Likely benign. Last evaluated: 2024-11-01. Review status: criteria provided, single submitter. Criteria: CeGaT Center For Human Genetics Tuebingen Variant Classification Criteria Version 2. Collection method: clinical testing. Allele origin: germline. Affected: yes. Observed: 1 variant allele.
Comment: MYO1A: BP4

Laboratory for Molecular Medicine, Mass General Brigham Personalized Medicine
Classification: Benign. Last evaluated: 2017-02-21. Review status: criteria provided, single submitter. Criteria: LMM Criteria. Collection method: clinical testing. Allele origin: germline. Observed: 3 variant alleles.
Comment: 2724+7G>A in Intron 25 of MYO1A: This variant is not expected to have clinical s ignificance because it is not located within the conserved splice consensus sequ ence and has been identified in 0.5% (47/10406) of African chromosomes by the Ex ome Aggregation Consortium (ExAC; dbSNP rs559858 17).

Eurofins Ntd Llc (ga)
Classification: Uncertain significance. Last evaluated: 2016-03-18. Review status: criteria provided, single submitter. Criteria: EGL Classification Definitions 2015. Collection method: clinical testing. Allele origin: germline. Observed: 1 variant allele, 1 heterozygote.

NM_005379.4(MYO1A):c.2724+7G>A

Gene: MYO1A (myosin IA; minus strand). Cytogenetic location: 12q13.3.
Variant type: single nucleotide variant.
Coding change: c.2724+7G>A on transcript NM_005379.4 (MANE Select); 7 bases into the intron after coding-DNA position 2724, G replaced by A.
Molecular consequence: intron variant.
Genome position (GRCh38, 1-based): chr12:57,029,733, C>T on the plus strand (G>A on the coding strand, the complement: MYO1A is on the minus strand). VCF-style: chr12-57029733-C-T. GRCh37 (hg19) VCF-style: chr12-57423517-C-T.
Other names: c.2724+7G>A (NM_001256041.2).
Identifiers: ClinVar variation 164581 (VCV000164581.23), dbSNP rs55985817, ClinGen allele CA177293.
Genomic context (GRCh38, chr12:57,029,733, plus strand): 5'-TGCTCTCCAGATGCCAGCCCACAGCTCTGCACTAGCTGCGGGAGGAGTTCAGCCTGCAGG[C>T]CCTTACCTTGCCATTGCCACGATTGACCTTCTTCACGGCCTCTGCCATCAGAACAGGCCC-3'